The following is an entry in ClinVar:

NM_000256.3(MYBPC3):c.2433del (p.Lys812fs)

Gene: MYBPC3 (myosin binding protein C3; minus strand). Cytogenetic location: 11p11.2.
Variant type: Deletion.
Coding change: c.2433del on transcript NM_000256.3 (MANE Select); coding-DNA position 2433, one base deleted (G; older notation c.2433delG).
Protein change: p.Lys812fs; shifts the reading frame from lysine 812.
Molecular consequence: frameshift variant.
Genome position (GRCh38, 1-based): chr11:47,337,560, C deleted on the plus strand (G on the coding strand, the reverse complement: MYBPC3 is on the minus strand). VCF-style (leftmost placement, unchanged base first): chr11-47337559-TC-T. GRCh37 (hg19) VCF-style: chr11-47359110-TC-T.
Other names: short protein forms K812fs.
Identifiers: ClinVar variation 3387113 (VCV003387113.1).

ClinVar aggregate classification (germline): Pathogenic (1 of 4 stars; one submission).

Conditions:
Hypertrophic cardiomyopathy. Also called: HYPERTROPHIC MYOCARDIOPATHY. Identifiers: Orphanet 217569, MedGen C0007194, MeSH D002312, MONDO:0005045, HP:0001639.

Submission:

All of Us Research Program, National Institutes of Health
Classification: Pathogenic for Hypertrophic cardiomyopathy. Last evaluated: 2024-07-29. Review status: criteria provided, single submitter. Criteria: ACMG Guidelines, 2015. Collection method: clinical testing. Allele origin: germline. Inheritance: Autosomal dominant inheritance. Observed: 1 variant allele, 1 heterozygote.
Comment: This variant deletes 1 nucleotide in exon 25 of the MYBPC3 gene, creating a frameshift and premature translation stop signal. This variant is expected to result in an absent or non-functional protein product. To our knowledge, this variant has not been reported in individuals affected with MYBPC3-related disorders in the literature. This variant has not been identified in the general population by the Genome Aggregation Database (gnomAD). Loss of MYBPC3 function is a known mechanism of disease. Based on the available evidence, this variant is classified as Pathogenic.

This study involves interpretation of variants in research participants for the purpose of population health screening. Participant phenotype was not available at the time of variant classification. Additional details can be found in publication PMID: 35346344, PMCID: PMC8962531